The following is an entry in ClinVar:

ClinVar aggregate classification (germline): Uncertain significance (1 of 4 stars; one submission).

Conditions:
Epilepsy. Also called: Seizure disorder. Identifiers: MedGen C0014544, MeSH D004827, MONDO:0005027.

Allele frequency attached by ClinVar (database versions not stated): gnomAD exomes below 0.00001; ExAC 0.00001.
gnomAD v4.1: 2 of 1,598,140 alleles (0.00013%); highest among the groups gnomAD compares: Non-Finnish European, 0.00017%; no homozygotes.

Submission:

Labcorp Genetics (formerly Invitae), Labcorp
Classification: Uncertain significance for Epilepsy. Last evaluated: 2021-12-05. Review status: criteria provided, single submitter. Criteria: Invitae Variant Classification Sherloc (09022015). Collection method: clinical testing. Allele origin: germline.
Comment: In summary, the available evidence is currently insufficient to determine the role of this variant in disease. Therefore, it has been classified as a Variant of Uncertain Significance. Algorithms developed to predict the effect of sequence changes on RNA splicing suggest that this variant may create or strengthen a splice site. Algorithms developed to predict the effect of missense changes on protein structure and function output the following: SIFT: "Tolerated"; PolyPhen-2: "Benign"; Align-GVGD: "Class C0". The valine amino acid residue is found in multiple mammalian species, which suggests that this missense change does not adversely affect protein function. This variant has not been reported in the literature in individuals affected with PIGQ-related conditions. The frequency data for this variant in the population databases is considered unreliable, as metrics indicate poor data quality at this position in the gnomAD database. This sequence change replaces glycine, which is neutral and non-polar, with valine, which is neutral and non-polar, at codon 210 of the PIGQ protein (p.Gly210Val).

NM_004204.5(PIGQ):c.629G>T (p.Gly210Val)

Gene: PIGQ (phosphatidylinositol glycan anchor biosynthesis class Q; plus strand). Cytogenetic location: 16p13.3.
Variant type: single nucleotide variant.
Coding change: c.629G>T on transcript NM_004204.5 (MANE Select); coding-DNA position 629, G replaced by T.
Protein change: p.Gly210Val; replaces glycine 210 with valine.
Molecular consequence: missense variant.
Genome position (GRCh38, 1-based): chr16:574,703, G>T. VCF-style: chr16-574703-G-T. GRCh37 (hg19) VCF-style: chr16-624703-G-T.
Other names: c.629G>T, p.Gly210Val (NM_148920.4); short protein forms G210V.
Identifiers: ClinVar variation 1433734 (VCV001433734.6), dbSNP rs752169643, ClinGen allele CA7779927.